The following is an entry in ClinVar:

NM_019594.4(LRRC8A):c.1975G>A (p.Gly659Ser)

Gene: LRRC8A (leucine rich repeat containing 8 VRAC subunit A; plus strand). Cytogenetic location: 9q34.11.
Variant type: single nucleotide variant.
Coding change: c.1975G>A on transcript NM_019594.4 (MANE Select); coding-DNA position 1975, G replaced by A.
Protein change: p.Gly659Ser; replaces glycine 659 with serine.
Molecular consequence: missense variant.
Genome position (GRCh38, 1-based): chr9:128,909,139, G>A. VCF-style: chr9-128909139-G-A. GRCh37 (hg19) VCF-style: chr9-131671418-G-A.
Other names: c.1975G>A, p.Gly659Ser (NM_001127244.2, NM_001127245.2); short protein forms G659S.
Identifiers: ClinVar variation 3612201 (VCV003612201.2).

ClinVar aggregate classification (germline): Uncertain significance (1 of 4 stars; one submission).

Submission:

Labcorp Genetics (formerly Invitae), Labcorp
Classification: Uncertain significance. Last evaluated: 2025-03-10. Review status: criteria provided, single submitter. Criteria: Invitae Variant Classification Sherloc (09022015). Collection method: clinical testing. Allele origin: germline.
Comment: This sequence change replaces glycine, which is neutral and non-polar, with serine, which is neutral and polar, at codon 659 of the LRRC8A protein (p.Gly659Ser). This variant is present in population databases (rs761617108, gnomAD 0.004%). This variant has not been reported in the literature in individuals affected with LRRC8A-related conditions. An algorithm developed to predict the effect of missense changes on protein structure and function (PolyPhen-2) suggests that this variant is likely to be disruptive. In summary, the available evidence is currently insufficient to determine the role of this variant in disease. Therefore, it has been classified as a Variant of Uncertain Significance.